The following is an entry in ClinVar:

ClinVar aggregate classification (germline): Uncertain significance (1 of 4 stars; one submission).

Submission:

Labcorp Genetics (formerly Invitae), Labcorp
Classification: Uncertain significance. Last evaluated: 2022-05-12. Review status: criteria provided, single submitter. Criteria: Invitae Variant Classification Sherloc (09022015). Collection method: clinical testing. Allele origin: germline.
Comment: This variant has not been reported in the literature in individuals affected with PDE6A-related conditions. This variant is not present in population databases (gnomAD no frequency). This sequence change replaces methionine, which is neutral and non-polar, with isoleucine, which is neutral and non-polar, at codon 525 of the PDE6A protein (p.Met525Ile). Algorithms developed to predict the effect of missense changes on protein structure and function (SIFT, PolyPhen-2, Align-GVGD) all suggest that this variant is likely to be tolerated. In summary, the available evidence is currently insufficient to determine the role of this variant in disease. Therefore, it has been classified as a Variant of Uncertain Significance.

NM_000440.3(PDE6A):c.1575G>A (p.Met525Ile)

Gene: PDE6A (phosphodiesterase 6A; minus strand). Cytogenetic location: 5q32.
Variant type: single nucleotide variant.
Coding change: c.1575G>A on transcript NM_000440.3 (MANE Select); coding-DNA position 1575, G replaced by A.
Protein change: p.Met525Ile; replaces methionine 525 with isoleucine.
Molecular consequence: missense variant.
Genome position (GRCh38, 1-based): chr5:149,896,401, C>T on the plus strand (G>A on the coding strand, the complement: PDE6A is on the minus strand). VCF-style: chr5-149896401-C-T. GRCh37 (hg19) VCF-style: chr5-149275964-C-T.
Other names: c.1332G>A, p.Met444Ile (NM_001410788.1); short protein forms M525I, M444I.
Identifiers: ClinVar variation 2076586 (VCV002076586.4), dbSNP rs2480564764, ClinGen allele CA361695375.